The following is an entry in ClinVar:

NM_000441.2(SLC26A4):c.605T>C (p.Ile202Thr)

Gene: SLC26A4 (solute carrier family 26 member 4; plus strand). Cytogenetic location: 7q22.3.
Variant type: single nucleotide variant.
Coding change: c.605T>C on transcript NM_000441.2 (MANE Select); coding-DNA position 605, T replaced by C.
Protein change: p.Ile202Thr; replaces isoleucine 202 with threonine.
Molecular consequence: missense variant.
Genome position (GRCh38, 1-based): chr7:107,674,949, T>C. VCF-style: chr7-107674949-T-C. GRCh37 (hg19) VCF-style: chr7-107315394-T-C.
Other names: short protein forms I202T.
Identifiers: ClinVar variation 3777547 (VCV003777547.2).

ClinVar aggregate classification (germline): Uncertain significance. Review status: criteria provided, multiple submitters, no conflicts (2 of 4 stars). 2 submissions from 2 submitters: Uncertain significance (2). Last evaluated 2024-10-14.

gnomAD v4.1: 5 of 1,613,854 alleles (0.00031%); highest among the groups gnomAD compares: South Asian, 0.0011%; no homozygotes.

Submissions (2):

GeneDx
Classification: Uncertain significance. Last evaluated: 2024-10-14. Review status: criteria provided, single submitter. Criteria: GeneDx Variant Classification Process June 2021. Collection method: clinical testing. Allele origin: germline. Affected: yes.
Comment: Not observed at significant frequency in large population cohorts (gnomAD); In silico analysis indicates that this missense variant does not alter protein structure/function; Has not been previously published as pathogenic or benign to our knowledge

Blueprint Genetics
Classification: Uncertain significance. Last evaluated: 2023-10-06. Review status: criteria provided, single submitter. Criteria: ACMG Guidelines, 2015. Collection method: clinical testing. Allele origin: germline.